The following is an entry in ClinVar:

NM_000302.4(PLOD1):c.2041C>T (p.Arg681Trp)

Gene: PLOD1 (procollagen-lysine,2-oxoglutarate 5-dioxygenase 1; plus strand). Cytogenetic location: 1p36.22.
Variant type: single nucleotide variant.
Coding change: c.2041C>T on transcript NM_000302.4 (MANE Select); coding-DNA position 2041, C replaced by T.
Protein change: p.Arg681Trp; replaces arginine 681 with tryptophan.
Molecular consequence: missense variant.
Genome position (GRCh38, 1-based): chr1:11,974,665, C>T. VCF-style: chr1-11974665-C-T. GRCh37 (hg19) VCF-style: chr1-12034722-C-T.
Other names: c.2182C>T, p.Arg728Trp (NM_001316320.2); short protein forms R728W, R681W.
Identifiers: ClinVar variation 657874 (VCV000657874.6), dbSNP rs1281801241, ClinGen allele CA338453329.

ClinVar aggregate classification (germline): Uncertain significance (1 of 4 stars; one submission).

Conditions:
Ehlers-Danlos syndrome, kyphoscoliotic type 1 (EDSKSCL1). Also called: PLOD1-Related Kyphoscoliotic Ehlers-Danlos Syndrome; EHLERS-DANLOS SYNDROME, OCULAR-SCOLIOTIC TYPE; Ehlers-Danlos syndrome, hydroxylysine-deficient; EHLERS-DANLOS SYNDROME, TYPE VIA. Identifiers: Orphanet 1900, MedGen C0268342, MONDO:0016002, OMIM 225400. Disease mechanism: loss of function.

Allele frequency attached by ClinVar (database versions not stated): TOPMed below 0.00001.
gnomAD v4.1: 3 of 1,613,622 alleles (0.00019%); highest among the groups gnomAD compares: South Asian, 0.0011%; no homozygotes.

Submission:

Labcorp Genetics (formerly Invitae), Labcorp
Classification: Uncertain significance for Ehlers-Danlos syndrome, kyphoscoliotic type 1. Last evaluated: 2021-08-27. Review status: criteria provided, single submitter. Criteria: Invitae Variant Classification Sherloc (09022015). Collection method: clinical testing. Allele origin: germline.
Comment: This sequence change replaces arginine with tryptophan at codon 681 of the PLOD1 protein (p.Arg681Trp). The arginine residue is highly conserved and there is a moderate physicochemical difference between arginine and tryptophan. This variant is not present in population databases (ExAC no frequency). This variant has not been reported in the literature in individuals affected with PLOD1-related conditions. Algorithms developed to predict the effect of missense changes on protein structure and function are either unavailable or do not agree on the potential impact of this missense change (SIFT: "Deleterious"; PolyPhen-2: "Probably Damaging"; Align-GVGD: "Class C0"). In summary, the available evidence is currently insufficient to determine the role of this variant in disease. Therefore, it has been classified as a Variant of Uncertain Significance.